The following is an entry in ClinVar:

ClinVar aggregate classification (germline): Pathogenic (1 of 4 stars; one submission).

Submission:

Quest Diagnostics Nichols Institute San Juan Capistrano
Classification: Pathogenic. Last evaluated: 2024-09-30. Review status: criteria provided, single submitter. Criteria: ACMG/ClinGen CNV Guidelines, 2019. Collection method: clinical testing. Allele origin: unknown.
Comment: The 1p31.3q21.3 deletion involves at least 130 protein-coding genes, including GLMN (OMIM 601749) and RPL5 (OMIM 603634). An approximately 18 Mb heterozygous deletion within the current interval has been reported in an individual with multiple other congenital anomalies (Syrmou 2013). Furthermore, heterozygous deletions within the current interval, (approximately 6 Mb) have been reported in individuals with moderate intellectual disability and hyperactivity (Biswal 2021, Tassano 2015). Additionally, heterozygous variants of RPL5, including heterozygous deletions, have been reported in association with autosomal dominant Diamond-Blackfan anemia 6 (DBA6; OMIM 138000; Tonne 2021, Waespe 2017). There are no similar copy number losses of this region in the general populations of the Database of Genomic Variants. Thus, based on current medical literature and gene content, this copy number variant (CNV) is classified as pathogenic. References: Biswal et al., Ann Indian Acad Neurol. 2021 Jan-Feb;24(1):78-80. PMID: 33911383 Syrmou et al., Pediatr Res. 2013 Jun;73(6):772-6. PMID: 23481551 Tassano et al., Cytogenet Genome Res. 2015;146(1):39-43. PMID: 26112959 Tonne et al., Eur J Hum Genet. 2021 Jun;29(6):920-929. PMID: 33288889 Waespe et al., NPJ Genom Med. 2017 May 10:2:18. PMID: 28690869

GRCh37/hg19 1p31.3-21.3(chr1:65412037-95735764)x1

Genes: ABCA4 (ATP binding cassette subfamily A member 4; minus strand), ABCD3 (ATP binding cassette subfamily D member 3; plus strand), ACADM (acyl-CoA dehydrogenase medium chain; plus strand), ADGRL2 (adhesion G protein-coupled receptor L2; plus strand), ADGRL4 (adhesion G protein-coupled receptor L4; minus strand) and 135 more. Cytogenetic location: 1p31.3-21.3.
Variant type: copy number loss.
Change: copy number 1 (one copy instead of two) of chr1:65,412,037-95,735,764 (30.32 Mb, GRCh37 coordinates, 1-based), cytogenetic band 1p31.3-21.3.
Identifiers: ClinVar variation 4682497 (VCV004682497.1).